The following is an entry in ClinVar:

NM_015272.5(RPGRIP1L):c.3476A>G (p.Asn1159Ser)

Gene: RPGRIP1L (RPGRIP1 like; minus strand). Cytogenetic location: 16q12.2.
Variant type: single nucleotide variant.
Coding change: c.3476A>G on transcript NM_015272.5 (MANE Select); coding-DNA position 3476, A replaced by G.
Protein change: p.Asn1159Ser; replaces asparagine 1159 with serine.
Molecular consequence: missense variant.
Genome position (GRCh38, 1-based): chr16:53,619,165, T>C on the plus strand (A>G on the coding strand, the complement: RPGRIP1L is on the minus strand). VCF-style: chr16-53619165-T-C. GRCh37 (hg19) VCF-style: chr16-53653077-T-C.
Other names: c.3236A>G, p.Asn1079Ser (NM_001127897.4); c.3338A>G, p.Asn1113Ser (NM_001308334.3); c.3374A>G, p.Asn1125Ser (NM_001330538.2); short protein forms N1079S, N1113S, N1125S, N1159S.
Identifiers: ClinVar variation 1313629 (VCV001313629.2), dbSNP rs1964560874, ClinGen allele CA395923624.

ClinVar aggregate classification (germline): Uncertain significance (1 of 4 stars; one submission).

Allele frequency attached by ClinVar (database versions not stated): gnomAD exomes below 0.00001; gnomAD 0.00001.
gnomAD v4.1: 1 of 1,613,998 alleles (0.000062%); highest among the groups gnomAD compares: African/African-American, 0.0013%; no homozygotes.

Submission:

GeneDx
Classification: Uncertain significance. Last evaluated: 2020-10-29. Review status: criteria provided, single submitter. Criteria: GeneDx Variant Classification Process June 2021. Collection method: clinical testing. Allele origin: germline. Affected: yes.
Comment: Not observed in large population cohorts (Lek et al., 2016); In silico analysis supports that this missense variant does not alter protein structure/function; Has not been previously published as pathogenic or benign to our knowledge